The following is an entry in ClinVar:

NM_001018115.3(FANCD2):c.1102_1103insCC (p.Ile368fs)

Genes: FANCD2 (FA complementation group D2; plus strand), LOC107303338 (3p25 FANCD2 Alu-mediated recombination region; plus strand). Cytogenetic location: 3p25.3.
Variant type: Insertion.
Coding change: c.1102_1103insCC on transcript NM_001018115.3 (MANE Select); coding-DNA positions 1102 to 1103, CC inserted.
Protein change: p.Ile368fs; shifts the reading frame from isoleucine 368.
Molecular consequence: frameshift variant.
Genome position: GRCh38 VCF-style: chr3-10043832-A-ACC. GRCh37 (hg19) VCF-style: chr3-10085516-A-ACC.
Other names: c.1102_1103insCC, p.Ile368fs (NM_001319984.2, NM_001374253.1, NM_001374254.1 and 1 more transcripts); short protein forms I368fs.
Identifiers: ClinVar variation 2900349 (VCV002900349.3), dbSNP rs2470759599, ClinGen allele CA2573332879.

ClinVar aggregate classification (germline): Pathogenic (1 of 4 stars; one submission).

Conditions:
Fanconi anemia (FA). Also called: Fanconi's anemia. Identifiers: Orphanet 84, MedGen C0015625, MeSH D005199, MONDO:0019391.

Submission:

Labcorp Genetics (formerly Invitae), Labcorp
Classification: Pathogenic for Fanconi anemia. Last evaluated: 2024-01-10. Review status: criteria provided, single submitter. Criteria: Invitae Variant Classification Sherloc (09022015). Collection method: clinical testing. Allele origin: germline.
Comment: This sequence change creates a premature translational stop signal (p.Ile368Thrfs*17) in the FANCD2 gene. It is expected to result in an absent or disrupted protein product. Loss-of-function variants in FANCD2 are known to be pathogenic (PMID: 17436244). This variant is not present in population databases (gnomAD no frequency). This variant has not been reported in the literature in individuals affected with FANCD2-related conditions. For these reasons, this variant has been classified as Pathogenic.

Literature cited by the submitters: PubMed 17436244.